The following is an entry in ClinVar:

NM_001170629.2(CHD8):c.7658G>A (p.Gly2553Asp)

Gene: CHD8 (chromodomain helicase DNA binding protein 8; minus strand). Cytogenetic location: 14q11.2.
Variant type: single nucleotide variant.
Coding change: c.7658G>A on transcript NM_001170629.2 (MANE Select); coding-DNA position 7658, G replaced by A.
Protein change: p.Gly2553Asp; replaces glycine 2553 with aspartic acid.
Molecular consequence: missense variant.
Genome position (GRCh38, 1-based): chr14:21,385,701, C>T on the plus strand (G>A on the coding strand, the complement: CHD8 is on the minus strand). VCF-style: chr14-21385701-C-T. GRCh37 (hg19) VCF-style: chr14-21853860-C-T.
Other names: c.6821G>A, p.Gly2274Asp (NM_020920.4); short protein forms G2274D, G2553D.
Identifiers: ClinVar variation 5005294 (VCV005005294.2).
Genomic context (GRCh38, chr14:21,385,701, plus strand): 5'-GAGTTAGCTGGCATCATAGGATCATCAATGAGTGAGAAGTCCCTTTCTGAGCTATCATAG[C>T]CCTGAGATAAGTCATCATCATCTTCTTCATCCTCATCGTCATCCTCCTCAGGTTGCAGTG-3'
Protein context (NP_001164100.1, residues 2543-2563): DEEDDDDLSQ[Gly2553Asp]YDSSERDFSL

ClinVar aggregate classification (germline): Uncertain significance (1 of 4 stars; one submission).

Conditions:
Intellectual developmental disorder with autism and macrocephaly. Also called: CHD8-Related Neurodevelopmental Disorder with Overgrowth; Autism, susceptibility to, 18. Identifiers: Orphanet 642675, MedGen C3554373, MONDO:0014017, OMIM 615032.

Submission:

Juno Genomics, Hangzhou Juno Genomics, Inc
Classification: Uncertain significance for Intellectual developmental disorder with autism and macrocephaly. Review status: criteria provided, single submitter. Criteria: ACMG Guidelines, 2015. Collection method: clinical testing. Allele origin: germline.
Comment: Absent from controls (or at extremely low frequency if recessive) in Genome Aggregation Database.;Missense variant in a gene that has a low rate of benign missense variation.